The following is an entry in ClinVar:

ClinVar aggregate classification (germline): Pathogenic (1 of 4 stars; one submission).

Conditions:
Duchenne muscular dystrophy (DMD). Also called: Duchenne Muscular Dystrophy (DMD); MUSCULAR DYSTROPHY, PSEUDOHYPERTROPHIC PROGRESSIVE, DUCHENNE TYPE. Identifiers: Orphanet 98896, MedGen C0013264, MONDO:0010679, OMIM 310200.

Submission:

Labcorp Genetics (formerly Invitae), Labcorp
Classification: Pathogenic for Duchenne muscular dystrophy. Last evaluated: 2019-06-21. Review status: criteria provided, single submitter. Criteria: Invitae Variant Classification Sherloc (09022015). Collection method: clinical testing. Allele origin: germline.
Comment: For these reasons, this variant has been classified as Pathogenic. Loss-of-function variants in DMD are known to be pathogenic (PMID: 16770791, 25007885). Copy number gains of exons 56-74 have been observed in individuals affected with Duchenne muscular dystrophy (PMID: 25972034, 28407826). This variant results in a copy number gain of the genomic region encompassing exons 56-74 of the DMD gene. While the exact position of this variant cannot be determined from this data, sub-genic copy number gains are generally in tandem (PMID: 25640679) and may result in an absent or disrupted protein product.

Literature cited by the submitters: PubMed 16770791; PubMed 25007885; PubMed 25972034; PubMed 28407826; PubMed 25640679.

NC_000023.11:g.(?_31169433)_(31507463_?)dup

Gene: DMD (dystrophin; minus strand). Cytogenetic location: Xp21.2-21.1.
Variant type: Duplication.
Identifiers: ClinVar variation 830419 (VCV000830419.8).